The following is an entry in ClinVar:

NM_000038.6(APC):c.5740G>A (p.Ala1914Thr)

Gene: APC (APC regulator of Wnt signaling pathway; plus strand). Cytogenetic location: 5q22.2.
Variant type: single nucleotide variant.
Coding change: c.5740G>A on transcript NM_000038.6 (MANE Select); coding-DNA position 5740, G replaced by A.
Protein change: p.Ala1914Thr; replaces alanine 1914 with threonine.
Molecular consequence: missense variant.
Genome position (GRCh38, 1-based): chr5:112,841,334, G>A. VCF-style: chr5-112841334-G-A. GRCh37 (hg19) VCF-style: chr5-112177031-G-A.
Other names: c.5740G>A (NM_000038.5); c.5437G>A, p.Ala1813Thr (NM_001354903.2, NM_001407458.1, NM_001407459.1 and 1 more transcripts); c.5362G>A, p.Ala1788Thr (NM_001354904.2); c.5260G>A, p.Ala1754Thr (NM_001354905.2); c.4891G>A, p.Ala1631Thr (NM_001354906.2, NM_001407470.1); c.5824G>A, p.Ala1942Thr (NM_001407446.1); c.5794G>A, p.Ala1932Thr (NM_001407447.1, NM_001407448.1, NM_001407449.1 and 1 more transcripts); c.5740G>A, p.Ala1914Thr (NM_001407450.1, NM_001127510.3, NM_001354895.2); and 12 more; short protein forms A1831T, A1907T, A1914T, A1942T, A1788T, A1813T, A1823T, A1924T.
Identifiers: ClinVar variation 2151016 (VCV002151016.8), dbSNP rs777899289, ClinGen allele CA042801.
Genomic context (GRCh38, chr5:112,841,334, plus strand): 5'-GTTACCAGCCACACAGAACTAACCTCCAACCAACAATCAGCTAATAAGACACAAGCTATT[G>A]CAAAGCAGCCAATAAATCGAGGTCAGCCTAAACCCATACTTCAGAAACAATCCACTTTTC-3'
Protein context (NP_000029.2, residues 1904-1924): QQSANKTQAI[Ala1914Thr]KQPINRGQPK

ClinVar aggregate classification (germline): Conflicting classifications of pathogenicity. Review status: criteria provided, conflicting classifications (1 of 4 stars). 4 submissions from 4 submitters: Uncertain significance (3); Likely benign (1). Last evaluated 2025-12-29.

Conditions:
Hereditary cancer-predisposing syndrome. Also called: Neoplastic Syndromes, Hereditary; Hereditary Cancer Syndrome; Tumor predisposition; Hereditary neoplastic syndrome. Identifiers: Orphanet 140162, MedGen C0027672, MeSH D009386, MONDO:0015356.
Familial adenomatous polyposis 1 (FAP1). Also called: POLYPOSIS, ADENOMATOUS INTESTINAL; FAMILIAL ADENOMATOUS POLYPOSIS 1, ATTENUATED. Identifiers: MedGen C2713442, MONDO:0021056, OMIM 175100. Disease mechanism: loss of function.

Allele frequency attached by ClinVar (database versions not stated): ExAC 0.00001.

Submissions (4):

Center for Genomic Medicine, Rigshospitalet, Copenhagen University Hospital
Classification: Uncertain significance. Last evaluated: 2025-12-29. Review status: criteria provided, single submitter. Criteria: ACMG Guidelines, 2015. Collection method: clinical testing. Allele origin: germline.

Ambry Genetics
Classification: Likely benign for Hereditary cancer-predisposing syndrome. Last evaluated: 2025-07-14. Review status: criteria provided, single submitter. Criteria: Ambry Variant Classification Scheme 2023. Collection method: clinical testing. Allele origin: germline.

Color Diagnostics, LLC DBA Color Health
Classification: Uncertain significance for Hereditary cancer-predisposing syndrome. Last evaluated: 2025-05-30. Review status: criteria provided, single submitter. Criteria: ACMG Guidelines, 2015. Collection method: clinical testing. Allele origin: germline.
Comment: This missense variant replaces alanine with threonine at codon 1914 of the APC protein. Computational prediction suggests that this variant may not impact protein structure and function. To our knowledge, functional studies have not been reported for this variant. This variant has not been reported in individuals affected with APC-related disorders in the literature. This variant has not been identified in the general population by the Genome Aggregation Database (gnomAD). The available evidence is insufficient to determine the role of this variant in disease conclusively. Therefore, this variant is classified as a Variant of Uncertain Significance.

Labcorp Genetics (formerly Invitae), Labcorp
Classification: Uncertain significance for Familial adenomatous polyposis 1. Last evaluated: 2024-09-22. Review status: criteria provided, single submitter. Criteria: Invitae Variant Classification Sherloc (09022015). Collection method: clinical testing. Allele origin: germline.
Comment: This sequence change replaces alanine, which is neutral and non-polar, with threonine, which is neutral and polar, at codon 1914 of the APC protein (p.Ala1914Thr). This variant is not present in population databases (gnomAD no frequency). This variant has not been reported in the literature in individuals affected with APC-related conditions. ClinVar contains an entry for this variant (Variation ID: 2151016). Invitae Evidence Modeling of protein sequence and biophysical properties (such as structural, functional, and spatial information, amino acid conservation, physicochemical variation, residue mobility, and thermodynamic stability) indicates that this missense variant is not expected to disrupt APC protein function with a negative predictive value of 95%. In summary, the available evidence is currently insufficient to determine the role of this variant in disease. Therefore, it has been classified as a Variant of Uncertain Significance.